The following is an entry in ClinVar:

NM_001844.5(COL2A1):c.86-47C>G

Gene: COL2A1 (collagen type II alpha 1 chain; minus strand). Cytogenetic location: 12q13.11.
Variant type: single nucleotide variant.
Coding change: c.86-47C>G on transcript NM_001844.5 (MANE Select); 47 bases into the intron before coding-DNA position 86, C replaced by G.
Molecular consequence: intron variant.
Genome position (GRCh38, 1-based): chr12:48,000,172, G>C on the plus strand (C>G on the coding strand, the complement: COL2A1 is on the minus strand). VCF-style: chr12-48000172-G-C. GRCh37 (hg19) VCF-style: chr12-48393955-G-C.
Other names: c.86-1741C>G (NM_033150.3).
Identifiers: ClinVar variation 3039045 (VCV003039045.2), dbSNP rs372890374, ClinGen allele CA6536103.

ClinVar aggregate classification (germline): Likely benign (0 of 4 stars; one submission).

Conditions:
COL2A1-related disorder. Also called: COL2A1-related condition; COL2A1-related disorders.

gnomAD v4.1: 112 of 1,336,950 alleles (0.0084%); highest among the groups gnomAD compares: East Asian, 0.043%; 7 homozygotes.

Submission:

PreventionGenetics, part of Exact Sciences
Classification: Likely benign for COL2A1-related condition. Last evaluated: 2023-03-24. Review status: no assertion criteria provided. Collection method: clinical testing. Allele origin: germline.
Comment: This variant is classified as likely benign based on ACMG/AMP sequence variant interpretation guidelines (Richards et al. 2015 PMID: 25741868, with internal and published modifications).